The following is an entry in ClinVar:

ClinVar aggregate classification (germline): Uncertain significance (1 of 4 stars; one submission).

Submission:

Labcorp Genetics (formerly Invitae), Labcorp
Classification: Uncertain significance. Last evaluated: 2022-11-08. Review status: criteria provided, single submitter. Criteria: Invitae Variant Classification Sherloc (09022015). Collection method: clinical testing. Allele origin: germline.
Comment: In summary, the available evidence is currently insufficient to determine the role of this variant in disease. Therefore, it has been classified as a Variant of Uncertain Significance. Algorithms developed to predict the effect of missense changes on protein structure and function output the following: SIFT: "Deleterious"; PolyPhen-2: "Benign"; Align-GVGD: "Class C0". The arginine amino acid residue is found in multiple mammalian species, which suggests that this missense change does not adversely affect protein function. This variant has not been reported in the literature in individuals affected with CDK5RAP2-related conditions. This variant is not present in population databases (gnomAD no frequency). This sequence change replaces methionine, which is neutral and non-polar, with arginine, which is basic and polar, at codon 1193 of the CDK5RAP2 protein (p.Met1193Arg).

NM_018249.6(CDK5RAP2):c.3578T>G (p.Met1193Arg)

Gene: CDK5RAP2 (CDK5 regulatory subunit associated protein 2; minus strand). Cytogenetic location: 9q33.2.
Variant type: single nucleotide variant.
Coding change: c.3578T>G on transcript NM_018249.6 (MANE Select); coding-DNA position 3578, T replaced by G.
Protein change: p.Met1193Arg; replaces methionine 1193 with arginine.
Molecular consequence: missense variant. On other transcripts: non-coding transcript variant (5).
Genome position (GRCh38, 1-based): chr9:120,439,543, A>C on the plus strand (T>G on the coding strand, the complement: CDK5RAP2 is on the minus strand). VCF-style: chr9-120439543-A-C. GRCh37 (hg19) VCF-style: chr9-123201821-A-C.
Other names: c.3578T>G, p.Met1193Arg (NM_001011649.3); c.2888T>G, p.Met963Arg (NM_001272039.2); c.3479T>G, p.Met1160Arg (NM_001410992.1); c.3482T>G, p.Met1161Arg (NM_001410993.1); c.3575T>G, p.Met1192Arg (NM_001410994.1); short protein forms M1160R, M1161R, M1192R, M1193R, M963R.
Identifiers: ClinVar variation 1716861 (VCV001716861.5), dbSNP rs2539034299, ClinGen allele CA374721230.